The following is an entry in ClinVar:

NM_001081.4(CUBN):c.1688C>T (p.Ala563Val)

Gene: CUBN (cubilin; minus strand). Cytogenetic location: 10p13.
Variant type: single nucleotide variant.
Coding change: c.1688C>T on transcript NM_001081.4 (MANE Select); coding-DNA position 1688, C replaced by T.
Protein change: p.Ala563Val; replaces alanine 563 with valine.
Molecular consequence: missense variant.
Genome position (GRCh38, 1-based): chr10:17,100,082, G>A on the plus strand (C>T on the coding strand, the complement: CUBN is on the minus strand). VCF-style: chr10-17100082-G-A. GRCh37 (hg19) VCF-style: chr10-17142081-G-A.
Other names: short protein forms A563V.
Identifiers: ClinVar variation 1448821 (VCV001448821.6), dbSNP rs2131295988, ClinGen allele CA376157121.

ClinVar aggregate classification (germline): Uncertain significance (1 of 4 stars; one submission).

Conditions:
Imerslund-Grasbeck syndrome. Also called: ENTEROCYTE COBALAMIN MALABSORPTION; ENTEROCYTE INTRINSIC FACTOR RECEPTOR, DEFECT OF; Imerslund-Gräsbeck syndrome; PERNICIOUS ANEMIA, JUVENILE, DUE TO SELECTIVE INTESTINAL MALABSORPTION OF VITAMIN B12, WITH PROTEINURIA; Megaloblastic anemia due to inborn errors of metabolism. Identifiers: Orphanet 35858, MedGen C4551825, MONDO:0009853.

Allele frequency attached by ClinVar (database versions not stated): gnomAD exomes below 0.00001.
gnomAD v4.1: 3 of 1,613,904 alleles (0.00019%); highest among the groups gnomAD compares: South Asian, 0.0033%; no homozygotes.

Submission:

Labcorp Genetics (formerly Invitae), Labcorp
Classification: Uncertain significance for Imerslund-Grasbeck syndrome. Last evaluated: 2025-07-10. Review status: criteria provided, single submitter. Criteria: Invitae Variant Classification Sherloc (09022015). Collection method: clinical testing. Allele origin: germline.
Comment: This sequence change replaces alanine, which is neutral and non-polar, with valine, which is neutral and non-polar, at codon 563 of the CUBN protein (p.Ala563Val). This variant is not present in population databases (gnomAD no frequency). This variant has not been reported in the literature in individuals affected with CUBN-related conditions. ClinVar contains an entry for this variant (Variation ID: 1448821). Invitae Evidence Modeling of protein sequence and biophysical properties (such as structural, functional, and spatial information, amino acid conservation, physicochemical variation, residue mobility, and thermodynamic stability) indicates that this missense variant is not expected to disrupt CUBN protein function with a negative predictive value of 80%. In summary, the available evidence is currently insufficient to determine the role of this variant in disease. Therefore, it has been classified as a Variant of Uncertain Significance.